The following is an entry in ClinVar:

NM_000414.4(HSD17B4):c.126del (p.Asp44fs)

Gene: HSD17B4 (hydroxysteroid 17-beta dehydrogenase 4; plus strand). Cytogenetic location: 5q23.1.
Variant type: Deletion.
Coding change: c.126del on transcript NM_000414.4 (MANE Select); coding-DNA position 126, one base deleted (A; older notation c.126delA).
Protein change: p.Asp44fs; shifts the reading frame from aspartic acid 44.
Molecular consequence: frameshift variant. On other transcripts: 5 prime UTR variant (6), non-coding transcript variant (2).
Genome position (GRCh38, 1-based): chr5:119,473,921, A deleted. VCF-style (leftmost placement, unchanged base first): chr5-119473920-GA-G. GRCh37 (hg19) VCF-style: chr5-118809615-GA-G.
Other names: c.201del, p.Asp69fs (NM_001199291.3); c.72del, p.Asp26fs (NM_001199292.2); c.54del, p.Asp20fs (NM_001292027.2); c.-286del (NM_001292028.2, NM_001374501.1); c.126del, p.Asp44fs (NM_001374497.1, NM_001374498.1); c.-155del (NM_001374499.1); c.-413del (NM_001374500.1); c.-291del (NM_001374502.1, NM_001374503.1); short protein forms D20fs, D26fs, D44fs, D69fs.
Identifiers: ClinVar variation 4818340 (VCV004818340.1).

ClinVar aggregate classification (germline): Likely pathogenic (1 of 4 stars; one submission).

Conditions:
Bifunctional peroxisomal enzyme deficiency (DBIF). Also called: DBP DEFICIENCY; PBFE DEFICIENCY; D-bifunctional protein deficiency. Identifiers: Orphanet 300, MedGen C0342870, MONDO:0009855, OMIM 261515. Disease mechanism: loss of function.

Submission:

Natera, Inc.
Classification: Likely pathogenic for Bifunctional peroxisomal enzyme deficiency. Last evaluated: 2024-12-09. Review status: criteria provided, single submitter. Criteria: Natera Variant Classification Schema (03/2026). Collection method: clinical testing. Allele origin: germline.
Comment: The c.126del variant in HSD17B4 is a frameshift variant predicted to shift the reading frame beginning at codon 44 and leads to a stop codon 10 codons downstream. This variant is expected to result in nonsense mediated decay, truncation, or a dysfunctional protein product. This variant is rare in the general population with a frequency below the threshold expected for the associated phenotype(s). Given the available evidence, this variant is classified as Likely Pathogenic.